The following is an entry in ClinVar:

NM_033656.4(BRWD1):c.6224T>C (p.Leu2075Ser)

Gene: BRWD1 (bromodomain and WD repeat domain containing 1; minus strand). Cytogenetic location: 21q22.2.
Variant type: single nucleotide variant.
Coding change: c.6224T>C on transcript NM_033656.4 (MANE Select); coding-DNA position 6224, T replaced by C.
Protein change: p.Leu2075Ser; replaces leucine 2075 with serine.
Molecular consequence: missense variant.
Genome position (GRCh38, 1-based): chr21:39,196,845, A>G on the plus strand (T>C on the coding strand, the complement: BRWD1 is on the minus strand). VCF-style: chr21-39196845-A-G. GRCh37 (hg19) VCF-style: chr21-40568771-A-G.
Other names: c.6224T>C, p.Leu2075Ser (NM_018963.5); short protein forms L2075S.
Identifiers: ClinVar variation 3825757 (VCV003825757.2).

ClinVar aggregate classification (germline): Conflicting classifications of pathogenicity. Review status: criteria provided, conflicting classifications (1 of 4 stars). 2 submissions from 2 submitters: Uncertain significance (1); Likely benign (1). Last evaluated 2026-08-11.

Conditions:
BRWD1-related disorder. Also called: BRWD1-related condition.

gnomAD v4.1: 141 of 1,613,692 alleles (0.0087%); highest among the groups gnomAD compares: African/African-American, 0.18%; 2 homozygotes.

Submissions (2):

PreventionGenetics, part of Exact Sciences
Classification: Likely benign for BRWD1-related condition. Last evaluated: 2026-08-11. Review status: criteria provided, single submitter. Criteria: ACMG Guidelines, 2015. Collection method: clinical testing. Allele origin: germline.
Comment: This variant is classified as likely benign based on ACMG/AMP sequence variant interpretation guidelines (Richards et al. 2015 PMID: 25741868, with internal and published modifications).

Ambry Genetics
Classification: Uncertain significance. Last evaluated: 2024-12-13. Review status: criteria provided, single submitter. Criteria: Ambry Variant Classification Scheme 2023. Collection method: clinical testing. Allele origin: germline.